The following is an entry in ClinVar:

NM_001395656.1(ROBO2):c.1828C>A (p.Pro610Thr)

Gene: ROBO2 (roundabout guidance receptor 2; plus strand). Cytogenetic location: 3p12.3.
Variant type: single nucleotide variant.
Coding change: c.1828C>A on transcript NM_001395656.1 (MANE Select); coding-DNA position 1828, C replaced by A.
Protein change: p.Pro610Thr; replaces proline 610 with threonine.
Molecular consequence: missense variant.
Genome position (GRCh38, 1-based): chr3:77,565,087, C>A. VCF-style: chr3-77565087-C-A. GRCh37 (hg19) VCF-style: chr3-77614238-C-A.
Other names: c.1864C>A, p.Pro622Thr (NM_001128929.3); c.1828C>A, p.Pro610Thr (NM_001290039.2, NM_001290040.2, NM_001378202.1); c.37C>A, p.Pro13Thr (NM_001290065.2); c.1876C>A, p.Pro626Thr (NM_001378190.1, NM_001378191.1, NM_001378195.1 and 4 more transcripts); c.1897C>A, p.Pro633Thr (NM_001378192.1, NM_001378194.1, NM_001378198.1 and 2 more transcripts); c.1816C>A, p.Pro606Thr (NM_001378193.1, NM_001378197.1, NM_002942.5); c.1885C>A, p.Pro629Thr (NM_001394212.1, NM_001394214.1, NM_001395657.1); short protein forms P13T, P606T, P610T, P622T, P626T, P629T, P633T.
Identifiers: ClinVar variation 1305651 (VCV001305651.3), dbSNP rs2153663747, ClinGen allele CA353521436.

ClinVar aggregate classification (germline): Uncertain significance (1 of 4 stars; one submission).

gnomAD v4.1: 1 of 1,613,614 alleles (0.000062%); highest among the groups gnomAD compares: Non-Finnish European, 0.000085%; no homozygotes.

Submission:

GeneDx
Classification: Uncertain significance. Last evaluated: 2019-05-11. Review status: criteria provided, single submitter. Criteria: GeneDx Variant Classification Process June 2021. Collection method: clinical testing. Allele origin: germline. Affected: yes.
Comment: Not observed in large population cohorts (Lek et al., 2016); In silico analysis, which includes protein predictors and evolutionary conservation, supports a deleterious effect; Has not been previously published as pathogenic or benign to our knowledge; This variant is associated with the following publications: (PMID: 30029678)